The following is an entry in ClinVar:

NM_198428.3(BBS9):c.2656_2658dup (p.Ser886_Glu887insSer)

Gene: BBS9 (Bardet-Biedl syndrome 9; plus strand). Cytogenetic location: 7p14.3.
Variant type: Duplication.
Coding change: c.2656_2658dup on transcript NM_198428.3 (MANE Select); coding-DNA positions 2656 to 2658, 3 bases duplicated (TCG; older notation c.2656_2658dupTCG).
Protein change: p.Ser886_Glu887insSer.
Molecular consequence: inframe insertion. On other transcripts: non-coding transcript variant (3), intron variant (2).
Genome position (GRCh38, 1-based): chr7:33,605,218-33,605,220, TCG duplicated. VCF-style (leftmost placement, unchanged base first): chr7-33605217-C-CTCG. GRCh37 (hg19) VCF-style: chr7-33644829-C-CTCG.
Other names: c.2551_2553dup, p.Ser851_Glu852insSer (NM_001033604.2); c.2641_2643dup, p.Ser881_Glu882insSer (NM_001033605.2); c.2656_2658dup, p.Ser886_Glu887insSer (NM_001348036.1); c.2107_2109dup, p.Ser703_Glu704insSer (NM_001348037.3); c.2383_2385dup, p.Ser795_Glu796insSer (NM_001348038.3); c.2278_2280dup, p.Ser760_Glu761insSer (NM_001348039.3); c.2533_2535dup, p.Ser845_Glu846insSer (NM_001348040.3); c.2521_2523dup, p.Ser841_Glu842insSer (NM_001348042.3); and 6 more.
Identifiers: ClinVar variation 4995681 (VCV004995681.1).

ClinVar aggregate classification (germline): Uncertain significance (1 of 4 stars; one submission).

Conditions:
BBS9-related disorder. Also called: BBS9-related condition.

Submission:

PreventionGenetics, part of Exact Sciences
Classification: Uncertain significance for BBS9-related condition. Last evaluated: 2025-10-01. Review status: criteria provided, single submitter. Criteria: ACMG Guidelines, 2015. Collection method: clinical testing. Allele origin: germline.
Comment: The BBS9 c.2656_2658dupTCG variant is predicted to result in an in-frame duplication (p.Ser886dup). To our knowledge, this variant has not been reported in the literature or in a large population database (gnomAD), indicating this variant is rare. At this time, the clinical significance of this variant is uncertain due to the absence of conclusive functional and genetic evidence.